The following is an entry in ClinVar:

NM_016111.4(TELO2):c.1663G>A (p.Glu555Lys)

Gene: TELO2 (telomere maintenance 2; plus strand). Cytogenetic location: 16p13.3.
Variant type: single nucleotide variant.
Coding change: c.1663G>A on transcript NM_016111.4 (MANE Select); coding-DNA position 1663, G replaced by A.
Protein change: p.Glu555Lys; replaces glutamic acid 555 with lysine.
Molecular consequence: missense variant.
Genome position (GRCh38, 1-based): chr16:1,502,654, G>A. VCF-style: chr16-1502654-G-A. GRCh37 (hg19) VCF-style: chr16-1552655-G-A.
Other names: c.1663G>A, p.Glu555Lys (NM_001351846.2); short protein forms E555K.
Identifiers: ClinVar variation 3679003 (VCV003679003.2).
Genomic context (GRCh38, chr16:1,502,654, plus strand): 5'-CGGCGGGCAGCTGGGTCCGACAGGTTTCCCAGCCCTAACCCCTGCGTGCAGGTGAGCGTG[G>A]AGCTGGCCAAGGTGCTTCTGCATCTGGAGGAGAAGACCTGTGTGGTGGGATTTGCAGGGC-3'
Protein context (NP_057195.2, residues 545-565): SPTATREVSV[Glu555Lys]LAKVLLHLEE

ClinVar aggregate classification (germline): Uncertain significance (1 of 4 stars; one submission).

Submission:

Labcorp Genetics (formerly Invitae), Labcorp
Classification: Uncertain significance. Last evaluated: 2024-04-03. Review status: criteria provided, single submitter. Criteria: Invitae Variant Classification Sherloc (09022015). Collection method: clinical testing. Allele origin: germline.
Comment: This sequence change replaces glutamic acid, which is acidic and polar, with lysine, which is basic and polar, at codon 555 of the TELO2 protein (p.Glu555Lys). This variant is not present in population databases (gnomAD no frequency). This variant has not been reported in the literature in individuals affected with TELO2-related conditions. Advanced modeling of protein sequence and biophysical properties (such as structural, functional, and spatial information, amino acid conservation, physicochemical variation, residue mobility, and thermodynamic stability) performed at Invitae indicates that this missense variant is expected to disrupt TELO2 protein function with a positive predictive value of 80%. In summary, the available evidence is currently insufficient to determine the role of this variant in disease. Therefore, it has been classified as a Variant of Uncertain Significance.